The following is an entry in ClinVar:

NM_020207.7(ERCC6L2):c.584C>T (p.Thr195Ile)

Gene: ERCC6L2 (ERCC excision repair 6 like 2; plus strand). Cytogenetic location: 9q22.32.
Variant type: single nucleotide variant.
Coding change: c.584C>T on transcript NM_020207.7 (MANE Select); coding-DNA position 584, C replaced by T.
Protein change: p.Thr195Ile; replaces threonine 195 with isoleucine.
Molecular consequence: missense variant. On other transcripts: non-coding transcript variant (1).
Genome position (GRCh38, 1-based): chr9:95,897,961, C>T. VCF-style: chr9-95897961-C-T. GRCh37 (hg19) VCF-style: chr9-98660243-C-T.
Other names: c.584C>T, p.Thr195Ile (NM_001010895.4, NM_001375291.1, NM_001375292.1 and 2 more transcripts); short protein forms T195I.
Identifiers: ClinVar variation 4618783 (VCV004618783.1).

ClinVar aggregate classification (germline): Uncertain significance (1 of 4 stars; one submission).

Conditions:
Inborn genetic diseases. Identifiers: MedGen C0950123, MeSH D030342.

Submission:

Ambry Genetics
Classification: Uncertain significance for Inborn genetic diseases. Last evaluated: 2025-12-07. Review status: criteria provided, single submitter. Criteria: Ambry Variant Classification Scheme 2023. Collection method: clinical testing. Allele origin: germline.
Comment: The p.T195I variant (also known as c.584C>T), located in coding exon 3 of the ERCC6L2 gene, results from a C to T substitution at nucleotide position 584. The threonine at codon 195 is replaced by isoleucine, an amino acid with similar properties. This amino acid position is conserved. In addition, this alteration is predicted to be tolerated by in silico analysis. Based on the available evidence, the clinical significance of this variant remains unclear.